The following is an entry in ClinVar:

ClinVar aggregate classification (germline): Uncertain significance. Review status: criteria provided, multiple submitters, no conflicts (2 of 4 stars). 2 submissions from 2 submitters: Uncertain significance (2). Last evaluated 2024-12-10.

Conditions:
Frontotemporal dementia and/or amyotrophic lateral sclerosis 6 (FTDALS6). Also called: VCP-Related Amyotrophic Lateral Sclerosis; VCP-Related Amyotrophic Lateral Sclerosis/Frontotemporal Dementia. Identifiers: Orphanet 275872, Orphanet 803, MedGen C5436279, MONDO:0013501, OMIM 613954.
Inclusion body myopathy with Paget disease of bone and frontotemporal dementia. Also called: Inclusion body myopathy with early-onset Paget disease and frontotemporal dementia. Identifiers: Orphanet 52430, MedGen C1833662, MONDO:0000507.

Allele frequency attached by ClinVar (database versions not stated): gnomAD exomes below 0.00001.
gnomAD v4.1: 1 of 1,614,242 alleles (0.000062%); highest among the groups gnomAD compares: South Asian, 0.0011%; no homozygotes.

Submissions (2):

Revvity Omics, Revvity
Classification: Uncertain significance. Last evaluated: 2024-12-10. Review status: criteria provided, single submitter. Criteria: ACMG Guidelines, 2015. Collection method: clinical testing. Allele origin: germline.

Labcorp Genetics (formerly Invitae), Labcorp
Classification: Uncertain significance for Inclusion body myopathy with Paget disease of bone and frontotemporal dementia; Frontotemporal dementia and/or amyotrophic lateral sclerosis 6. Last evaluated: 2021-12-23. Review status: criteria provided, single submitter. Criteria: Invitae Variant Classification Sherloc (09022015). Collection method: clinical testing. Allele origin: germline.
Comment: This sequence change replaces serine, which is neutral and polar, with asparagine, which is neutral and polar, at codon 794 of the VCP protein (p.Ser794Asn). This variant is not present in population databases (gnomAD no frequency). This variant has not been reported in the literature in individuals affected with VCP-related conditions. Advanced modeling of protein sequence and biophysical properties (such as structural, functional, and spatial information, amino acid conservation, physicochemical variation, residue mobility, and thermodynamic stability) performed at Invitae indicates that this missense variant is not expected to disrupt VCP protein function. In summary, the available evidence is currently insufficient to determine the role of this variant in disease. Therefore, it has been classified as a Variant of Uncertain Significance.

NM_007126.5(VCP):c.2381G>A (p.Ser794Asn)

Gene: VCP (valosin containing protein; minus strand). Cytogenetic location: 9p13.3.
Variant type: single nucleotide variant.
Coding change: c.2381G>A on transcript NM_007126.5 (MANE Select); coding-DNA position 2381, G replaced by A.
Protein change: p.Ser794Asn; replaces serine 794 with asparagine.
Molecular consequence: missense variant.
Genome position (GRCh38, 1-based): chr9:35,057,157, C>T on the plus strand (G>A on the coding strand, the complement: VCP is on the minus strand). VCF-style: chr9-35057157-C-T. GRCh37 (hg19) VCF-style: chr9-35057154-C-T.
Other names: c.2246G>A, p.Ser749Asn (NM_001354927.2, NM_001354928.2); short protein forms S749N, S794N.
Identifiers: ClinVar variation 1986151 (VCV001986151.5), dbSNP rs2490338805, ClinGen allele CA373268081.